The following is an entry in ClinVar:

ClinVar aggregate classification (germline): Pathogenic (1 of 4 stars; one submission).

Submission:

GeneDx
Classification: Pathogenic. Last evaluated: 2024-03-11. Review status: criteria provided, single submitter. Criteria: GeneDx Variant Classification Process June 2021. Collection method: clinical testing. Allele origin: germline. Affected: yes.
Comment: Not observed at significant frequency in large population cohorts (gnomAD); In silico analysis supports that this missense variant does not alter protein structure/function; In silico analysis suggests this variant may impact gene splicing. In the absence of RNA/functional studies, the actual effect of this sequence change is unknown.; This variant is associated with the following publications: (PMID: 28191890, 35982159, 33057194, 28135719, 33504798)

NM_006521.6(TFE3):c.338G>A (p.Arg113Lys)

Gene: TFE3 (transcription factor binding to IGHM enhancer 3; minus strand). Cytogenetic location: Xp11.23.
Variant type: single nucleotide variant.
Coding change: c.338G>A on transcript NM_006521.6 (MANE Select); coding-DNA position 338, G replaced by A.
Protein change: p.Arg113Lys; replaces arginine 113 with lysine.
Molecular consequence: missense variant.
Genome position (GRCh38, 1-based): chrX:49,039,303, C>T on the plus strand (G>A on the coding strand, the complement: TFE3 is on the minus strand). VCF-style: chrX-49039303-C-T. GRCh37 (hg19) VCF-style: chrX-48896828-C-T.
Other names: c.23G>A, p.Arg8Lys (NM_001282142.2); short protein forms R113K, R8K.
Identifiers: ClinVar variation 3340595 (VCV003340595.1).